The following is an entry in ClinVar:

ClinVar aggregate classification (germline): Uncertain significance (1 of 4 stars; one submission).

Conditions:
Hereditary cancer-predisposing syndrome. Also called: Neoplastic Syndromes, Hereditary; Tumor predisposition; Hereditary Cancer Syndrome; Hereditary neoplastic syndrome. Identifiers: Orphanet 140162, MedGen C0027672, MeSH D009386, MONDO:0015356.

Submission:

Color Diagnostics, LLC DBA Color Health
Classification: Uncertain significance for Hereditary cancer-predisposing syndrome. Last evaluated: 2023-12-04. Review status: criteria provided, single submitter. Criteria: ACMG Guidelines, 2015. Collection method: clinical testing. Allele origin: germline.
Comment: This missense variant replaces phenylalanine with leucine at codon 973 of the BRIP1 protein. Computational prediction suggests that this variant may not impact protein structure and function (internally defined REVEL score threshold <= 0.5, PMID: 27666373). To our knowledge, functional studies have not been reported for this variant. This variant has not been reported in individuals affected with BRIP1-related disorders in the literature. This variant has not been identified in the general population by the Genome Aggregation Database (gnomAD). The available evidence is insufficient to determine the role of this variant in disease conclusively. Therefore, this variant is classified as a Variant of Uncertain Significance.

NM_032043.3(BRIP1):c.2917T>C (p.Phe973Leu)

Gene: BRIP1 (BRCA1 interacting DNA helicase 1; minus strand). Cytogenetic location: 17q23.2.
Variant type: single nucleotide variant.
Coding change: c.2917T>C on transcript NM_032043.3 (MANE Select); coding-DNA position 2917, T replaced by C.
Protein change: p.Phe973Leu; replaces phenylalanine 973 with leucine.
Molecular consequence: missense variant.
Genome position (GRCh38, 1-based): chr17:61,684,129, A>G on the plus strand (T>C on the coding strand, the complement: BRIP1 is on the minus strand). VCF-style: chr17-61684129-A-G. GRCh37 (hg19) VCF-style: chr17-59761490-A-G.
Other names: short protein forms F973L.
Identifiers: ClinVar variation 921156 (VCV000921156.4), dbSNP rs1060501727, ClinGen allele CA400480750.
Genomic context (GRCh38, chr17:61,684,129, plus strand): 5'-AAGTTGGGCTTGTGGATCTGGAAATCACAATTTTTTCTGCTTTCCCTGCTTCTTCCAGGA[A>G]TACTGGATCATCTAAGAATACAAGAATTTAAGAGATTTAACTTTCTGCTCCTAGCTAACA-3'
Protein context (NP_114432.2, residues 963-983): ISRKEKNDPV[Phe973Leu]LEEAGKAEKI